The following is an entry in ClinVar:

NC_000002.11:g.(?_73612987)_(73786279_?)del

Gene: ALMS1 (ALMS1 centrosome and basal body associated protein; plus strand). Cytogenetic location: 2p13.1.
Variant type: Deletion.
Identifiers: ClinVar variation 2426069 (VCV002426069.4).

ClinVar aggregate classification (germline): Pathogenic (1 of 4 stars; one submission).

Conditions:
Alstrom syndrome (ALMS). Identifiers: Orphanet 64, MedGen C0268425, MONDO:0008763, OMIM 203800.

Submission:

Labcorp Genetics (formerly Invitae), Labcorp
Classification: Pathogenic for Alstrom syndrome. Last evaluated: 2022-05-31. Review status: criteria provided, single submitter. Criteria: Invitae Variant Classification Sherloc (09022015). Collection method: clinical testing. Allele origin: germline.
Comment: For these reasons, this variant has been classified as Pathogenic. This variant has not been reported in the literature in individuals affected with ALMS1-related conditions. This variant is a gross deletion of the genomic region encompassing exon(s) 1-15 of the ALMS1 gene, which includes the initiator codon. This deletion extends beyond the assayed region for this gene and therefore may encompass additional genes. It is expected to result in an absent or disrupted protein product. Loss-of-function variants in ALMS1 are known to be pathogenic (PMID: 17594715).

Literature cited by the submitters: PubMed 17594715.